The following is an entry in ClinVar:

ClinVar aggregate classification (germline): Uncertain significance (1 of 4 stars; one submission).

Conditions:
Duchenne muscular dystrophy (DMD). Also called: MUSCULAR DYSTROPHY, PSEUDOHYPERTROPHIC PROGRESSIVE, DUCHENNE TYPE; Duchenne Muscular Dystrophy (DMD). Identifiers: Orphanet 98896, MedGen C0013264, MONDO:0010679, OMIM 310200.

Submission:

Labcorp Genetics (formerly Invitae), Labcorp
Classification: Uncertain significance for Duchenne muscular dystrophy. Last evaluated: 2025-02-06. Review status: criteria provided, single submitter. Criteria: Invitae Variant Classification Sherloc (09022015). Collection method: clinical testing. Allele origin: germline.
Comment: This sequence change falls in intron 40 of the DMD gene. It does not directly change the encoded amino acid sequence of the DMD protein. This variant is not present in population databases (gnomAD no frequency). This variant has not been reported in the literature in individuals affected with DMD-related conditions. ClinVar contains an entry for this variant (Variation ID: 1361177). Algorithms developed to predict the effect of sequence changes on RNA splicing suggest that this variant may disrupt the consensus splice site. In summary, the available evidence is currently insufficient to determine the role of this variant in disease. Therefore, it has been classified as a Variant of Uncertain Significance.

NM_004006.3(DMD):c.5740-10T>A

Gene: DMD (dystrophin; minus strand). Cytogenetic location: Xp21.1.
Variant type: single nucleotide variant.
Coding change: c.5740-10T>A on transcript NM_004006.3 (MANE Select); 10 bases into the intron before coding-DNA position 5740, T replaced by A.
Molecular consequence: intron variant.
Genome position (GRCh38, 1-based): chrX:32,342,292, A>T on the plus strand (T>A on the coding strand, the complement: DMD is on the minus strand). VCF-style: chrX-32342292-A-T. GRCh37 (hg19) VCF-style: chrX-32360409-A-T.
Other names: c.5716-10T>A (NM_000109.4); c.1717-10T>A (NM_004011.4); c.1708-10T>A (NM_004012.4); c.5728-10T>A (NM_004009.3); c.5371-10T>A (NM_004010.3).
Identifiers: ClinVar variation 1361177 (VCV001361177.8), dbSNP rs2148813751, ClinGen allele CA2573158781.